The following is an entry in ClinVar:

ClinVar aggregate classification (germline): Uncertain significance (1 of 4 stars; one submission).

Conditions:
Early-infantile DEE. Also called: Early infantile epileptic encephalopathy; Early infantile epileptic encephalopathy with suppression bursts; Ohtahara syndrome. Identifiers: Orphanet 1934, MedGen C0393706, MONDO:0800491.

Submission:

Labcorp Genetics (formerly Invitae), Labcorp
Classification: Uncertain significance for Early-infantile DEE. Last evaluated: 2022-02-04. Review status: criteria provided, single submitter. Criteria: Invitae Variant Classification Sherloc (09022015). Collection method: clinical testing. Allele origin: germline.
Comment: In summary, the available evidence is currently insufficient to determine the role of this variant in disease. Therefore, it has been classified as a Variant of Uncertain Significance. Advanced modeling of protein sequence and biophysical properties (such as structural, functional, and spatial information, amino acid conservation, physicochemical variation, residue mobility, and thermodynamic stability) performed at Invitae indicates that this missense variant is not expected to disrupt SCN1A protein function. ClinVar contains an entry for this variant (Variation ID: 408939). This variant has not been reported in the literature in individuals affected with SCN1A-related conditions. This variant is not present in population databases (gnomAD no frequency). This sequence change replaces glutamine, which is neutral and polar, with proline, which is neutral and non-polar, at codon 928 of the SCN1A protein (p.Gln928Pro).

NM_001165963.4(SCN1A):c.2783A>C (p.Gln928Pro)

Gene: SCN1A (sodium voltage-gated channel alpha subunit 1; minus strand). Cytogenetic location: 2q24.3.
Variant type: single nucleotide variant.
Coding change: c.2783A>C on transcript NM_001165963.4 (MANE Select); coding-DNA position 2783, A replaced by C.
Protein change: p.Gln928Pro; replaces glutamine 928 with proline.
Molecular consequence: missense variant. On other transcripts: non-coding transcript variant (1).
Genome position (GRCh38, 1-based): chr2:166,037,939, T>G on the plus strand (A>C on the coding strand, the complement: SCN1A is on the minus strand). VCF-style: chr2-166037939-T-G. GRCh37 (hg19) VCF-style: chr2-166894449-T-G.
Other names: c.2699A>C, p.Gln900Pro (NM_001165964.3, NM_001353957.2, NM_001353958.2); c.2783A>C, p.Gln928Pro (NM_001202435.3, NM_001353948.2); c.2750A>C, p.Gln917Pro (NM_001353949.2, NM_001353950.2, NM_001353951.2 and 2 more transcripts); c.2747A>C, p.Gln916Pro (NM_001353954.2, NM_001353955.2); c.2696A>C, p.Gln899Pro (NM_001353960.2); c.341A>C, p.Gln114Pro (NM_001353961.2); short protein forms Q917P, Q928P, Q114P, Q899P, Q916P, Q900P.
Identifiers: ClinVar variation 408939 (VCV000408939.9), dbSNP rs1060502192, ClinGen allele CA16610160.